The following is an entry in ClinVar:

ClinVar aggregate classification (germline): Uncertain significance (1 of 4 stars; one submission).

Submission:

Ambry Genetics
Classification: Uncertain significance. Last evaluated: 2024-10-15. Review status: criteria provided, single submitter. Criteria: Ambry Variant Classification Scheme 2023. Collection method: clinical testing. Allele origin: germline.
Comment: The p.L809P variant (also known as c.2426T>C), located in coding exon 20 of the BUB1 gene, results from a T to C substitution at nucleotide position 2426. The leucine at codon 809 is replaced by proline, an amino acid with similar properties. This amino acid position is conserved. In addition, this alteration is predicted to be tolerated by in silico analysis. Since supporting evidence is limited at this time, the clinical significance of this alteration remains unclear.

NM_004336.5(BUB1):c.2426T>C (p.Leu809Pro)

Gene: BUB1 (BUB1 mitotic checkpoint serine/threonine kinase; minus strand). Cytogenetic location: 2q13.
Variant type: single nucleotide variant.
Coding change: c.2426T>C on transcript NM_004336.5 (MANE Select); coding-DNA position 2426, T replaced by C.
Protein change: p.Leu809Pro; replaces leucine 809 with proline.
Molecular consequence: missense variant.
Genome position (GRCh38, 1-based): chr2:110,642,156, A>G on the plus strand (T>C on the coding strand, the complement: BUB1 is on the minus strand). VCF-style: chr2-110642156-A-G. GRCh37 (hg19) VCF-style: chr2-111399733-A-G.
Other names: c.2366T>C, p.Leu789Pro (NM_001278616.2); c.2426T>C, p.Leu809Pro (NM_001278617.2); short protein forms L809P, L789P.
Identifiers: ClinVar variation 1791098 (VCV001791098.3), dbSNP rs2467973438, ClinGen allele CA348090907.